The following is an entry in ClinVar:

ClinVar aggregate classification (germline): Uncertain significance (1 of 4 stars; one submission).

Allele frequency attached by ClinVar (database versions not stated): ExAC 0.00003.
gnomAD v4.1: 4 of 1,614,018 alleles (0.00025%); highest among the groups gnomAD compares: Non-Finnish European, 0.00034%; no homozygotes.

Submission:

Labcorp Genetics (formerly Invitae), Labcorp
Classification: Uncertain significance. Last evaluated: 2025-03-17. Review status: criteria provided, single submitter. Criteria: Invitae Variant Classification Sherloc (09022015). Collection method: clinical testing. Allele origin: germline.
Comment: This sequence change replaces proline, which is neutral and non-polar, with threonine, which is neutral and polar, at codon 133 of the TBX6 protein (p.Pro133Thr). This variant is present in population databases (rs761910961, gnomAD 0.003%). This variant has not been reported in the literature in individuals affected with TBX6-related conditions. ClinVar contains an entry for this variant (Variation ID: 2116869). Invitae Evidence Modeling of protein sequence and biophysical properties (such as structural, functional, and spatial information, amino acid conservation, physicochemical variation, residue mobility, and thermodynamic stability) has been performed for this missense variant. However, the output from this modeling did not meet the statistical confidence thresholds required to predict the impact of this variant on TBX6 protein function. In summary, the available evidence is currently insufficient to determine the role of this variant in disease. Therefore, it has been classified as a Variant of Uncertain Significance.

NM_004608.4(TBX6):c.397C>A (p.Pro133Thr)

Gene: TBX6 (T-box transcription factor 6; minus strand). Cytogenetic location: 16p11.2.
Variant type: single nucleotide variant.
Coding change: c.397C>A on transcript NM_004608.4 (MANE Select); coding-DNA position 397, C replaced by A.
Protein change: p.Pro133Thr; replaces proline 133 with threonine.
Molecular consequence: missense variant.
Genome position (GRCh38, 1-based): chr16:30,089,167, G>T on the plus strand (C>A on the coding strand, the complement: TBX6 is on the minus strand). VCF-style: chr16-30089167-G-T. GRCh37 (hg19) VCF-style: chr16-30100488-G-T.
Other names: short protein forms P133T.
Identifiers: ClinVar variation 2116869 (VCV002116869.4), dbSNP rs761910961, ClinGen allele CA8001931.